The following is an entry in ClinVar:

ClinVar aggregate classification (germline): Conflicting classifications of pathogenicity. Review status: criteria provided, conflicting classifications (1 of 4 stars). 2 submissions from 2 submitters: Uncertain significance (1); Likely benign (1). Last evaluated 2023-09-01.

Allele frequency attached by ClinVar (database versions not stated): gnomAD exomes 0.00001.
gnomAD v4.1: 16 of 1,612,956 alleles (0.00099%); highest among the groups gnomAD compares: Non-Finnish European, 0.0014%; no homozygotes.

Submissions (2):

CeGaT Center for Human Genetics Tuebingen
Classification: Likely benign. Last evaluated: 2023-09-01. Review status: criteria provided, single submitter. Criteria: CeGaT Center For Human Genetics Tuebingen Variant Classification Criteria Version 2. Collection method: clinical testing. Allele origin: germline. Affected: yes. Observed: 1 variant allele.
Comment: XPC: BP4, BP7

Institute for Clinical Genetics, University Hospital TU Dresden, University Hospital TU Dresden
Classification: Uncertain significance. Last evaluated: 2021-11-03. Review status: criteria provided, single submitter. Criteria: ACMG Guidelines, 2015. Collection method: clinical testing. Allele origin: germline.

NM_004628.5(XPC):c.900T>C (p.His300=)

Gene: XPC (XPC complex subunit, DNA damage recognition and repair factor; minus strand). Cytogenetic location: 3p25.1.
Variant type: single nucleotide variant.
Coding change: c.900T>C on transcript NM_004628.5 (MANE Select); coding-DNA position 900, T replaced by C.
Protein change: p.His300=; no amino-acid change (histidine 300 retained).
Molecular consequence: synonymous variant. On other transcripts: non-coding transcript variant (2).
Genome position (GRCh38, 1-based): chr3:14,164,813, A>G on the plus strand (T>C on the coding strand, the complement: XPC is on the minus strand). VCF-style: chr3-14164813-A-G. GRCh37 (hg19) VCF-style: chr3-14206313-A-G.
Other names: c.321T>C, p.His107= (NM_001354726.2); c.900T>C, p.His300= (NM_001354727.2, NM_001354730.2); c.882T>C, p.His294= (NM_001354729.2).
Identifiers: ClinVar variation 1319088 (VCV001319088.26), dbSNP rs929649978, ClinGen allele CA69757949.
Genomic context (GRCh38, chr3:14,164,813, plus strand): 5'-CTGCCATTATCATTAGTTAACAGTACTGATAAAAAACAGTGATCCGGGAGGATCACTTAC[A>G]TGGACCAATTCCTCATCATCTCGAGCAGAGTAAATAGCAAATCTCCTTTCCAATGTAGTC-3'
Protein context (NP_004619.3, residues 290-310): YSARDDEELV[His300=]IFLLILRALQ